The following is an entry in ClinVar:

NM_006517.5(SLC16A2):c.254C>T (p.Thr85Ile)

Gene: SLC16A2 (solute carrier family 16 member 2; plus strand). Cytogenetic location: Xq13.2.
Variant type: single nucleotide variant.
Coding change: c.254C>T on transcript NM_006517.5 (MANE Select); coding-DNA position 254, C replaced by T.
Protein change: p.Thr85Ile; replaces threonine 85 with isoleucine.
Molecular consequence: missense variant.
Genome position (GRCh38, 1-based): chrX:74,421,891, C>T. VCF-style: chrX-74421891-C-T. GRCh37 (hg19) VCF-style: chrX-73641726-C-T.
Other names: short protein forms T85I.
Identifiers: ClinVar variation 3895617 (VCV003895617.1).

ClinVar aggregate classification (germline): Uncertain significance (1 of 4 stars; one submission).

Submission:

Women's Health and Genetics/Laboratory Corporation of America, LabCorp
Classification: Uncertain significance. Last evaluated: 2025-03-17. Review status: criteria provided, single submitter. Criteria: LabCorp Variant Classification Summary - May 2015. Collection method: clinical testing. Allele origin: germline.
Comment: Variant summary: SLC16A2 c.254C>T (p.Thr85Ile) results in a non-conservative amino acid change in the encoded protein sequence. Four of five in-silico tools predict a benign effect of the variant on protein function. The variant was absent in 173045 control chromosomes. The available data on variant occurrences in the general population are insufficient to allow any conclusion about variant significance. To our knowledge, no occurrence of c.254C>T in individuals affected with Allan-Herndon-Dudley Syndrome and no experimental evidence demonstrating its impact on protein function have been reported. No submitters have cited clinical-significance assessments for this variant to ClinVar. Based on the evidence outlined above, the variant was classified as uncertain significance.